The following is an entry in ClinVar:

NM_000138.5(FBN1):c.6372A>G (p.Ser2124=)

Gene: FBN1 (fibrillin 1; minus strand). Cytogenetic location: 15q21.1.
Variant type: single nucleotide variant.
Coding change: c.6372A>G on transcript NM_000138.5 (MANE Select); coding-DNA position 6372, A replaced by G.
Protein change: p.Ser2124=; no amino-acid change (serine 2124 retained).
Molecular consequence: synonymous variant.
Genome position (GRCh38, 1-based): chr15:48,437,329, T>C on the plus strand (A>G on the coding strand, the complement: FBN1 is on the minus strand). VCF-style: chr15-48437329-T-C. GRCh37 (hg19) VCF-style: chr15-48729526-T-C.
Identifiers: ClinVar variation 42399 (VCV000042399.22), dbSNP rs397515832, ClinGen allele CA016370.

ClinVar aggregate classification (germline): Likely benign. Review status: criteria provided, multiple submitters, no conflicts (2 of 4 stars). 6 submissions from 6 submitters: Likely benign (6). Last evaluated 2025-04-19.

Conditions:
Marfan syndrome (MFS). Also called: FBN1-Related Marfan Syndrome; Marfan syndrome, classic; MARFAN SYNDROME, TYPE I; Marfan syndrome type 1; Marfan's syndrome. Identifiers: Orphanet 284963, Orphanet 558, MedGen C0024796, MONDO:0007947, OMIM 154700.
Familial thoracic aortic aneurysm and aortic dissection (TAAD). Also called: Thoracic aortic aneurysms and dissections. Identifiers: Orphanet 91387, MedGen C4707243, MONDO:0019625.
FBN1-related disorder. Also called: FBN1-related disorders.

Allele frequency attached by ClinVar (database versions not stated): gnomAD 0.00007; TOPMed 0.00013.
gnomAD v4.1: 24 of 1,613,248 alleles (0.0015%); highest among the groups gnomAD compares: Admixed American, 0.02%; no homozygotes.

Submissions (6):

PreventionGenetics, part of Exact Sciences
Classification: Likely benign for FBN1-related condition. Last evaluated: 2025-04-19. Review status: criteria provided, single submitter. Criteria: ACMG Guidelines, 2015. Collection method: clinical testing. Allele origin: germline.
Comment: This variant is classified as likely benign based on ACMG/AMP sequence variant interpretation guidelines (Richards et al. 2015 PMID: 25741868, with internal and published modifications).

Labcorp Genetics (formerly Invitae), Labcorp
Classification: Likely benign for Marfan syndrome; Familial thoracic aortic aneurysm and aortic dissection. Last evaluated: 2025-03-31. Review status: criteria provided, single submitter. Criteria: Invitae Variant Classification Sherloc (09022015). Collection method: clinical testing. Allele origin: germline.

All of Us Research Program, National Institutes of Health
Classification: Likely benign for Marfan syndrome. Last evaluated: 2024-01-03. Review status: criteria provided, single submitter. Criteria: ACMG Guidelines, 2015. Collection method: clinical testing. Allele origin: germline. Inheritance: Autosomal dominant inheritance. Observed: 6 variant alleles, 6 heterozygotes.
Comment: This study involves interpretation of variants in research participants for the purpose of population health screening. Participant phenotype was not available at the time of variant classification. Additional details can be found in publication PMID: 35346344, PMCID: PMC8962531

Color Diagnostics, LLC DBA Color Health
Classification: Likely benign for Familial thoracic aortic aneurysm and aortic dissection. Last evaluated: 2018-05-21. Review status: criteria provided, single submitter. Criteria: ACMG Guidelines, 2015. Collection method: clinical testing. Allele origin: germline.

Ambry Genetics
Classification: Likely benign for Familial thoracic aortic aneurysm and aortic dissection. Last evaluated: 2017-11-30. Review status: criteria provided, single submitter. Criteria: Ambry Variant Classification Scheme 2023. Collection method: clinical testing. Allele origin: germline.

Laboratory for Molecular Medicine, Mass General Brigham Personalized Medicine
Classification: Likely benign. Last evaluated: 2012-12-17. Review status: criteria provided, single submitter. Criteria: LMM Criteria. Collection method: clinical testing. Allele origin: germline. Observed: 1 variant allele.
Comment: Ser2124Ser in exon 51 of FBN1: This variant is not expected to have clinical sig nificance because it does not alter the amino acid residue and it is not located within the splice consensus sequence.